The following is an entry in ClinVar:

NM_001323289.2(CDKL5):c.2821del (p.Tyr941fs)

Gene: CDKL5 (cyclin dependent kinase like 5; plus strand). Cytogenetic location: Xp22.13.
Variant type: Deletion.
Coding change: c.2821del on transcript NM_001323289.2 (MANE Select); coding-DNA position 2821, one base deleted (T; older notation c.2821delT).
Protein change: p.Tyr941fs; shifts the reading frame from tyrosine 941.
Molecular consequence: frameshift variant. On other transcripts: intron variant (2).
Genome position (GRCh38, 1-based): chrX:18,628,695, T deleted. VCF-style (leftmost placement, unchanged base first): chrX-18628694-CT-C. GRCh37 (hg19) VCF-style: chrX-18646814-CT-C.
Other names: NM_001323289.2(CDKL5):c.2821del; p.Tyr941fs; c.2713+108del (NM_003159.3, NM_001037343.2); short protein forms Y941fs.
Identifiers: ClinVar variation 643438 (VCV000643438.53), dbSNP rs1602300837, ClinGen allele CA915950778.

ClinVar aggregate classification (germline): Pathogenic. Review status: reviewed by expert panel (3 of 4 stars). 5 submissions from 5 submitters: Pathogenic (1). 4 of the submissions do not count toward it. Last evaluated 2022-08-25.

Conditions:
Angelman syndrome-like. Identifiers: MedGen CN128785.
Developmental and epileptic encephalopathy, 2 (DEE2). Also called: CDKL5 deficiency disorder; INFANTILE SPASM SYNDROME, X-LINKED 2. Identifiers: Orphanet 1934, Orphanet 3451, Orphanet 505652, MedGen C4750718, MONDO:0010396, OMIM 300672.
CDKL5 disorder. Identifiers: MedGen CN296942, MONDO:0100039.

Submissions (5):

ClinGen Rett and Angelman-like Disorders Variant Curation Expert Panel
Classification: Pathogenic for CDKL5 disorder. Last evaluated: 2022-08-25. Review status: reviewed by expert panel. Criteria: ClinGen RettAS ACMG Specifications V2. Collection method: curation. Allele origin: germline. Inheritance: X-linked inheritance.
Comment: The p.Tyr941fs variant in CDKL5 is predicted to cause a premature stop codon that leads to a truncated or absent protein in a gene where loss-of-function is an established mechanism. There is significant evidence that loss of this region of the gene is pathogenic (PVS1). The p.Tyr941fs variant in CDKL5 is absent from gnomAD (PM2_Supporting). In summary, the p.Tyr941fs variant in CDKL5 is classified as pathogenic for CDKL5 disorder based on the ACMG/AMP criteria (PVS1, PS2, PM2_Supporting).

GeneDx
Classification: Pathogenic. Last evaluated: 2025-11-19. Review status: criteria provided, single submitter. Criteria: GeneDx Variant Classification Process June 2021. Collection method: clinical testing. Allele origin: germline. Affected: yes. Not counted in ClinVar's aggregate classification.
Comment: Previously reported in a proband from a cohort of individuals with autism; however detailed clinical information was not provided (PMID: 38958063); Not observed at significant frequency in large population cohorts (gnomAD); Frameshift variant predicted to result in protein truncation in a gene for which loss of function is a known mechanism of disease; This variant is associated with the following publications: (PMID: 35934918, 38958063)

Labcorp Genetics (formerly Invitae), Labcorp
Classification: Uncertain significance for Developmental and epileptic encephalopathy, 2; Angelman syndrome-like. Last evaluated: 2025-06-23. Review status: criteria provided, single submitter. Criteria: Invitae Variant Classification Sherloc (09022015). Collection method: clinical testing. Allele origin: germline. Not counted in ClinVar's aggregate classification.
Comment: This sequence change falls in intron 18 of the CDKL5 gene. It does not directly change the encoded amino acid sequence of the CDKL5 protein. This variant is not present in population databases (gnomAD no frequency). This variant has been observed in individual(s) with clinical features of CDKL5-related conditions (PMID: 35934918). ClinVar contains an entry for this variant (Variation ID: 643438). Algorithms developed to predict the effect of sequence changes on RNA splicing suggest that this variant is not likely to affect RNA splicing. In summary, the available evidence is currently insufficient to determine the role of this variant in disease. Therefore, it has been classified as a Variant of Uncertain Significance.

CeGaT Center for Human Genetics Tuebingen
Classification: Uncertain significance. Last evaluated: 2019-07-01. Review status: criteria provided, single submitter. Criteria: CeGaT Center For Human Genetics Tuebingen Variant Classification Criteria Version 2. Collection method: clinical testing. Allele origin: germline. Affected: yes. Observed: 1 variant allele. Not counted in ClinVar's aggregate classification.

Juno Genomics, Hangzhou Juno Genomics, Inc
Classification: Likely pathogenic for Developmental and epileptic encephalopathy, 2. Review status: criteria provided, single submitter. Criteria: ACMG Guidelines, 2015. Collection method: clinical testing. Allele origin: germline. Affected: yes. Not counted in ClinVar's aggregate classification.
Comment: Absent from controls (or at extremely low frequency if recessive) in Genome Aggregation Database, Exome Sequencing Project, 1000 Genomes Project, or Exome Aggregation Consortium.;Null variant in a gene where loss of function (LOF) is a known mechanism of disease.

Literature cited by the submitters: PubMed 35934918 (cited by Labcorp Genetics (formerly Invitae), Labcorp).